The following is an entry in ClinVar:

NM_004006.3(DMD):c.7909G>A (p.Val2637Ile)

Gene: DMD (dystrophin; minus strand). Cytogenetic location: Xp21.1.
Variant type: single nucleotide variant.
Coding change: c.7909G>A on transcript NM_004006.3 (MANE Select); coding-DNA position 7909, G replaced by A.
Protein change: p.Val2637Ile; replaces valine 2637 with isoleucine.
Molecular consequence: missense variant.
Genome position (GRCh38, 1-based): chrX:31,658,108, C>T on the plus strand (G>A on the coding strand, the complement: DMD is on the minus strand). VCF-style: chrX-31658108-C-T. GRCh37 (hg19) VCF-style: chrX-31676225-C-T.
Other names: c.7885G>A, p.Val2629Ile (NM_000109.4); c.7897G>A, p.Val2633Ile (NM_004009.3); c.7540G>A, p.Val2514Ile (NM_004010.3); c.3886G>A, p.Val1296Ile (NM_004011.4); c.3877G>A, p.Val1293Ile (NM_004012.4); c.529G>A, p.Val177Ile (NM_004013.3, NM_004020.4, NM_004021.3 and 2 more transcripts); short protein forms V177I, V1293I, V1296I, V2514I, V2637I, V2629I, V2633I.
Identifiers: ClinVar variation 2165386 (VCV002165386.4), dbSNP rs781227857, ClinGen allele CA10378185.

ClinVar aggregate classification (germline): Conflicting classifications of pathogenicity. Review status: criteria provided, conflicting classifications (1 of 4 stars). 3 submissions from 3 submitters: Uncertain significance (2); Likely benign (1). Last evaluated 2025-05-25.

Conditions:
Cardiovascular phenotype. Identifiers: MedGen CN230736.
Duchenne muscular dystrophy (DMD). Also called: MUSCULAR DYSTROPHY, PSEUDOHYPERTROPHIC PROGRESSIVE, DUCHENNE TYPE; Duchenne Muscular Dystrophy (DMD). Identifiers: Orphanet 98896, MedGen C0013264, MONDO:0010679, OMIM 310200.

Allele frequency attached by ClinVar (database versions not stated): gnomAD exomes below 0.00001; ExAC 0.00001; gnomAD 0.00001; TOPMed 0.00001.
gnomAD v4.1: 2 of 1,210,319 alleles (0.00017%); highest among the groups gnomAD compares: African/African-American, 0.0035%; no homozygotes.

Submissions (3):

Labcorp Genetics (formerly Invitae), Labcorp
Classification: Uncertain significance for Duchenne muscular dystrophy. Last evaluated: 2025-05-25. Review status: criteria provided, single submitter. Criteria: Invitae Variant Classification Sherloc (09022015). Collection method: clinical testing. Allele origin: germline.
Comment: This sequence change replaces valine, which is neutral and non-polar, with isoleucine, which is neutral and non-polar, at codon 2637 of the DMD protein (p.Val2637Ile). This variant is not present in population databases (gnomAD no frequency). This variant has not been reported in the literature in individuals affected with DMD-related conditions. ClinVar contains an entry for this variant (Variation ID: 2165386). Invitae Evidence Modeling of protein sequence and biophysical properties (such as structural, functional, and spatial information, amino acid conservation, physicochemical variation, residue mobility, and thermodynamic stability) indicates that this missense variant is not expected to disrupt DMD protein function with a negative predictive value of 95%. In summary, the available evidence is currently insufficient to determine the role of this variant in disease. Therefore, it has been classified as a Variant of Uncertain Significance.

Ambry Genetics
Classification: Likely benign for Cardiovascular phenotype. Last evaluated: 2024-06-14. Review status: criteria provided, single submitter. Criteria: Ambry Variant Classification Scheme 2023. Collection method: clinical testing. Allele origin: germline.

GeneDx
Classification: Uncertain significance. Last evaluated: 2024-04-22. Review status: criteria provided, single submitter. Criteria: GeneDx Variant Classification Process June 2021. Collection method: clinical testing. Allele origin: germline. Affected: yes.
Comment: Not observed at significant frequency in large population cohorts (gnomAD); In silico analysis indicates that this missense variant does not alter protein structure/function; Has not been previously published as pathogenic or benign to our knowledge